The following is an entry in ClinVar:

NM_001277115.2(DNAH11):c.8839A>G (p.Ile2947Val)

Gene: DNAH11 (dynein axonemal heavy chain 11; plus strand). Cytogenetic location: 7p15.3.
Variant type: single nucleotide variant.
Coding change: c.8839A>G on transcript NM_001277115.2 (MANE Select); coding-DNA position 8839, A replaced by G.
Protein change: p.Ile2947Val; replaces isoleucine 2947 with valine.
Molecular consequence: missense variant.
Genome position (GRCh38, 1-based): chr7:21,750,263, A>G. VCF-style: chr7-21750263-A-G. GRCh37 (hg19) VCF-style: chr7-21789881-A-G.
Other names: c.8860A>G, p.Ile2954Val (NM_003777.3); short protein forms I2947V, I2954V.
Identifiers: ClinVar variation 2190222 (VCV002190222.1), dbSNP rs1786356687, ClinGen allele CA366956137.
Genomic context (GRCh38, chr7:21,750,263, plus strand): 5'-TACTCATTCTTTGGGGCAGGAGAAATCCCAGATCTGTTCAGCGATGAAGATGTGGACAAG[A>G]TAATTTCTGGAATTCATAATGAAGTTCATGCTCTGGGCATGGTAGACTCCAGGGAAAACT-3'
Protein context (NP_001264044.1, residues 2937-2957): DLFSDEDVDK[Ile2947Val]ISGIHNEVHA

ClinVar aggregate classification (germline): Uncertain significance (1 of 4 stars; one submission).

Conditions:
Primary ciliary dyskinesia. Also called: Ciliary dyskinesia. Identifiers: Orphanet 244, MedGen C0008780, MONDO:0016575, HP:0012265.

Allele frequency attached by ClinVar (database versions not stated): TOPMed below 0.00001.

Submission:

Labcorp Genetics (formerly Invitae), Labcorp
Classification: Uncertain significance for Primary ciliary dyskinesia. Last evaluated: 2022-07-05. Review status: criteria provided, single submitter. Criteria: Invitae Variant Classification Sherloc (09022015). Collection method: clinical testing. Allele origin: germline.
Comment: This sequence change replaces isoleucine, which is neutral and non-polar, with valine, which is neutral and non-polar, at codon 2947 of the DNAH11 protein (p.Ile2947Val). This variant is not present in population databases (gnomAD no frequency). This missense change has been observed in individual(s) with clinical features of primary ciliary dyskinesia (Invitae). Advanced modeling of protein sequence and biophysical properties (such as structural, functional, and spatial information, amino acid conservation, physicochemical variation, residue mobility, and thermodynamic stability) performed at Invitae indicates that this missense variant is not expected to disrupt DNAH11 protein function. Algorithms developed to predict the effect of sequence changes on RNA splicing suggest that this variant may create or strengthen a splice site. In summary, the available evidence is currently insufficient to determine the role of this variant in disease. Therefore, it has been classified as a Variant of Uncertain Significance.